The following is an entry in ClinVar:

NM_004067.4(CHN2):c.291-7C>T

Gene: CHN2 (chimerin 2; plus strand). Cytogenetic location: 7p14.3.
Variant type: single nucleotide variant.
Coding change: c.291-7C>T on transcript NM_004067.4 (MANE Select); 7 bases into the intron before coding-DNA position 291, C replaced by T.
Molecular consequence: intron variant.
Genome position (GRCh38, 1-based): chr7:29,400,536, C>T. VCF-style: chr7-29400536-C-T. GRCh37 (hg19) VCF-style: chr7-29440152-C-T.
Other names: NM_001293069.1:c.516-7C>T; c.-148-7C>T (NM_001398427.1); c.330-7C>T (NM_001293070.2); c.186-7C>T (NM_001293071.2); c.246-7C>T (NM_001293072.2).
Identifiers: ClinVar variation 3053382 (VCV003053382.2), dbSNP rs140592115, ClinGen allele CA4202058.
Genomic context (GRCh38, chr7:29,400,536, plus strand): 5'-TATTGTTATCATTCCACACTGTGCTTATTTCTAACGTGGTTGTAATCCCTCATTCTCTCA[C>T]GGGCAGGTTTGGAAACCAGACCTTAAACTACAGGCTCTTCCACGACGGGAAACACTTTGT-3'

ClinVar aggregate classification (germline): Benign (0 of 4 stars; one submission).

Conditions:
CHN2-related disorder. Also called: CHN2-related condition.

Allele frequency attached by ClinVar (database versions not stated): ESP Exome Variant Server 0.00015; TOPMed 0.00066; gnomAD 0.00087; ExAC 0.00166; 1000 Genomes Project 30x 0.00297; 1000 Genomes Project 0.00300.
gnomAD v4.1: 955 of 1,612,928 alleles (0.059%); highest among the groups gnomAD compares: East Asian, 0.95%; 4 homozygotes.

Submission:

PreventionGenetics, part of Exact Sciences
Classification: Benign for CHN2-related condition. Last evaluated: 2019-02-22. Review status: no assertion criteria provided. Collection method: clinical testing. Allele origin: germline.
Comment: This variant is classified as benign based on ACMG/AMP sequence variant interpretation guidelines (Richards et al. 2015 PMID: 25741868, with internal and published modifications).